The following is an entry in ClinVar:

ClinVar aggregate classification (germline): Uncertain significance (1 of 4 stars; one submission).

Submission:

Ambry Genetics
Classification: Uncertain significance. Last evaluated: 2025-06-03. Review status: criteria provided, single submitter. Criteria: Ambry Variant Classification Scheme 2023. Collection method: clinical testing. Allele origin: germline.
Comment: The p.H36R variant (also known as c.107A>G), located in coding exon 1 of the CDK12 gene, results from an A to G substitution at nucleotide position 107. The histidine at codon 36 is replaced by arginine, an amino acid with highly similar properties. This amino acid position is conserved. In addition, this alteration is predicted to be tolerated by in silico analysis. Based on the available evidence, the clinical significance of this variant remains unclear.

NM_016507.4(CDK12):c.107A>G (p.His36Arg)

Genes: CDK12 (cyclin dependent kinase 12; plus strand), LOC126862553 (CDK7 strongly-dependent group 2 enhancer GRCh37_chr17:37618166-37619365; plus strand). Cytogenetic location: 17q12.
Variant type: single nucleotide variant.
Coding change: c.107A>G on transcript NM_016507.4 (MANE Select); coding-DNA position 107, A replaced by G.
Protein change: p.His36Arg; replaces histidine 36 with arginine.
Molecular consequence: missense variant.
Genome position (GRCh38, 1-based): chr17:39,462,178, A>G. VCF-style: chr17-39462178-A-G. GRCh37 (hg19) VCF-style: chr17-37618431-A-G.
Other names: c.107A>G, p.His36Arg (NM_015083.4); short protein forms H36R.
Identifiers: ClinVar variation 3999530 (VCV003999530.1).